The following is an entry in ClinVar:

ClinVar aggregate classification (germline): Uncertain significance (1 of 4 stars; one submission).

Allele frequency attached by ClinVar (database versions not stated): gnomAD exomes below 0.00001; TOPMed below 0.00001.
gnomAD v4.1: 5 of 1,537,168 alleles (0.00033%); highest among the groups gnomAD compares: Non-Finnish European, 0.00026%; no homozygotes.

Submission:

Greenwood Genetic Center Diagnostic Laboratories, Greenwood Genetic Center
Classification: Uncertain significance. Last evaluated: 2022-06-10. Review status: criteria provided, single submitter. Criteria: ACMG Guidelines, 2015. Collection method: clinical testing. Allele origin: germline. Affected: yes.
Comment: Gene of Uncertain Significance

NM_020759.3(STARD9):c.13556G>A (p.Trp4519Ter)

Gene: STARD9 (StAR related lipid transfer domain containing 9; plus strand). Cytogenetic location: 15q15.2.
Variant type: single nucleotide variant.
Coding change: c.13556G>A on transcript NM_020759.3 (MANE Select); coding-DNA position 13556, G replaced by A.
Protein change: p.Trp4519Ter; replaces tryptophan 4519 with a stop codon.
Molecular consequence: nonsense.
Genome position (GRCh38, 1-based): chr15:42,717,792, G>A. VCF-style: chr15-42717792-G-A. GRCh37 (hg19) VCF-style: chr15-43009990-G-A.
Other names: short protein forms W4519*.
Identifiers: ClinVar variation 1703100 (VCV001703100.3), dbSNP rs2061377286, ClinGen allele CA392016166.
Genomic context (GRCh38, chr15:42,717,792, plus strand): 5'-TAATGGCTGCTTGTTCGGATAATTTGCACAACCTCTTCAGCTGCCAGGCAACTGCTGGCT[G>A]GAAGTAAGTTTGTTTAGGGTCCTTTGTACAGTGTCTGTCTTGGTAAGCTTGTCACCCTGC-3'